The following is an entry in ClinVar:

NC_000012.12:g.121626785G>A

Genes: ORAI1 (ORAI calcium release-activated calcium modulator 1; plus strand), LOC130008987 (ATAC-STARR-seq lymphoblastoid silent region 4981; plus strand). Cytogenetic location: 12q24.31.
Variant type: single nucleotide variant.
Genome position: GRCh38 VCF-style: chr12-121626785-G-A. GRCh37 (hg19) VCF-style: chr12-122064690-G-A.
Other names: c.43G>A, p.Glu15Lys (NM_032790.4); short protein forms E15K.
Identifiers: ClinVar variation 1469344 (VCV001469344.6), dbSNP rs1321846731, ClinGen allele CA386980329.

ClinVar aggregate classification (germline): Uncertain significance (1 of 4 stars; one submission).

Conditions:
Combined immunodeficiency due to ORAI1 deficiency. Also called: IMMUNODEFICIENCY 9. Identifiers: Orphanet 169090, Orphanet 317428, MedGen C2748568, MONDO:0013007, OMIM 612782.
Myopathy, tubular aggregate, 2 (TAM2). Identifiers: MedGen C4014557, MONDO:0014383, OMIM 615883.

Submission:

Labcorp Genetics (formerly Invitae), Labcorp
Classification: Uncertain significance for Myopathy, tubular aggregate, 2; Combined immunodeficiency due to ORAI1 deficiency. Last evaluated: 2023-10-03. Review status: criteria provided, single submitter. Criteria: Invitae Variant Classification Sherloc (09022015). Collection method: clinical testing. Allele origin: germline.
Comment: This sequence change replaces glutamic acid, which is acidic and polar, with lysine, which is basic and polar, at codon 15 of the ORAI1 protein (p.Glu15Lys). This variant is not present in population databases (gnomAD no frequency). This variant has not been reported in the literature in individuals affected with ORAI1-related conditions. ClinVar contains an entry for this variant (Variation ID: 1469344). Experimental studies and prediction algorithms are not available or were not evaluated, and the functional significance of this variant is currently unknown. In summary, the available evidence is currently insufficient to determine the role of this variant in disease. Therefore, it has been classified as a Variant of Uncertain Significance.